The following is an entry in ClinVar:

NM_145290.4(ADGRA3):c.3793G>A (p.Ala1265Thr)

Gene: ADGRA3 (adhesion G protein-coupled receptor A3; minus strand). Cytogenetic location: 4p15.2.
Variant type: single nucleotide variant.
Coding change: c.3793G>A on transcript NM_145290.4 (MANE Select); coding-DNA position 3793, G replaced by A.
Protein change: p.Ala1265Thr; replaces alanine 1265 with threonine.
Molecular consequence: missense variant.
Genome position (GRCh38, 1-based): chr4:22,387,878, C>T on the plus strand (G>A on the coding strand, the complement: ADGRA3 is on the minus strand). VCF-style: chr4-22387878-C-T. GRCh37 (hg19) VCF-style: chr4-22389501-C-T.
Other names: short protein forms A1265T.
Identifiers: ClinVar variation 1346054 (VCV001346054.8), dbSNP rs762830701, ClinGen allele CA2873296.

ClinVar aggregate classification (germline): Uncertain significance (1 of 4 stars; one submission).

Allele frequency attached by ClinVar (database versions not stated): gnomAD exomes 0.00001 and 0.00002; ExAC 0.00002; gnomAD 0.00002 and 0.00003; TOPMed 0.00002.
gnomAD v4.1: 16 of 1,614,010 alleles (0.00099%); highest among the groups gnomAD compares: East Asian, 0.0022%; no homozygotes.

Submission:

Labcorp Genetics (formerly Invitae), Labcorp
Classification: Uncertain significance. Last evaluated: 2024-10-17. Review status: criteria provided, single submitter. Criteria: Invitae Variant Classification Sherloc (09022015). Collection method: clinical testing. Allele origin: germline.
Comment: This sequence change replaces alanine, which is neutral and non-polar, with threonine, which is neutral and polar, at codon 1265 of the ADGRA3 protein (p.Ala1265Thr). This variant is present in population databases (rs762830701, gnomAD 0.005%). This variant has not been reported in the literature in individuals affected with ADGRA3-related conditions. ClinVar contains an entry for this variant (Variation ID: 1346054). An algorithm developed to predict the effect of missense changes on protein structure and function outputs the following: PolyPhen-2: "Benign". The threonine amino acid residue is found in multiple mammalian species, which suggests that this missense change does not adversely affect protein function. In summary, the available evidence is currently insufficient to determine the role of this variant in disease. Therefore, it has been classified as a Variant of Uncertain Significance.